The following is an entry in ClinVar:

ClinVar aggregate classification (germline): Benign (0 of 4 stars; one submission).

Conditions:
BAZ2B-related disorder. Also called: BAZ2B-related condition.

Allele frequency attached by ClinVar (database versions not stated): ESP Exome Variant Server 0.00645; 1000 Genomes Project 30x 0.00953; 1000 Genomes Project 0.00978.
gnomAD v4.1: 1,895 of 1,614,010 alleles (0.12%); highest among the groups gnomAD compares: African/African-American, 2.1%; 21 homozygotes.

Submission:

PreventionGenetics, part of Exact Sciences
Classification: Benign for BAZ2B-related condition. Last evaluated: 2021-01-05. Review status: no assertion criteria provided. Collection method: clinical testing. Allele origin: germline.
Comment: This variant is classified as benign based on ACMG/AMP sequence variant interpretation guidelines (Richards et al. 2015 PMID: 25741868, with internal and published modifications).

NM_013450.4(BAZ2B):c.4413G>A (p.Lys1471=)

Genes: BAZ2B (bromodomain adjacent to zinc finger domain 2B; minus strand), LOC126806390 (CDK7 strongly-dependent group 2 enhancer GRCh37_chr2:160205700-160206899; plus strand). Cytogenetic location: 2q24.2.
Variant type: single nucleotide variant.
Coding change: c.4413G>A on transcript NM_013450.4 (MANE Select); coding-DNA position 4413, G replaced by A.
Protein change: p.Lys1471=; no amino-acid change (lysine 1471 retained).
Molecular consequence: synonymous variant.
Genome position (GRCh38, 1-based): chr2:159,350,158, C>T on the plus strand (G>A on the coding strand, the complement: BAZ2B is on the minus strand). VCF-style: chr2-159350158-C-T. GRCh37 (hg19) VCF-style: chr2-160206669-C-T.
Other names: c.4305G>A, p.Lys1435= (NM_001289975.1); c.4251G>A, p.Lys1417= (NM_001329857.2); c.4338G>A, p.Lys1446= (NM_001329858.2).
Identifiers: ClinVar variation 3042172 (VCV003042172.2), dbSNP rs147334374, ClinGen allele CA1924144.
Genomic context (GRCh38, chr2:159,350,158, plus strand): 5'-AGCATTTGGTTTGGGGGTCATAACCTCTGACTCAGGAGGCATCTTAGCTACTTCCAAAAG[C>T]TTGCTTAATTTGGAAAAAGAGCCAGGTTTCTGAAGGAATAGATTTGTGTTATCTTTTTCT-3'
Protein context (NP_038478.2, residues 1461-1481): QKPGSFSKLS[Lys1471=]LLEVAKMPPE